The following is an entry in ClinVar:

NM_001278689.2(EOGT):c.587C>T (p.Ser196Phe)

Gene: EOGT (EGF domain specific O-linked N-acetylglucosamine transferase; minus strand). Cytogenetic location: 3p14.1.
Variant type: single nucleotide variant.
Coding change: c.587C>T on transcript NM_001278689.2 (MANE Select); coding-DNA position 587, C replaced by T.
Protein change: p.Ser196Phe; replaces serine 196 with phenylalanine.
Molecular consequence: missense variant. On other transcripts: non-coding transcript variant (1).
Genome position (GRCh38, 1-based): chr3:69,004,411, G>A on the plus strand (C>T on the coding strand, the complement: EOGT is on the minus strand). VCF-style: chr3-69004411-G-A. GRCh37 (hg19) VCF-style: chr3-69053562-G-A.
Other names: c.587C>T, p.Ser196Phe (NM_173654.3); short protein forms S196F.
Identifiers: ClinVar variation 1480596 (VCV001480596.6), dbSNP rs778686242, ClinGen allele CA2486872.

ClinVar aggregate classification (germline): Uncertain significance (1 of 4 stars; one submission).

Conditions:
Adams-Oliver syndrome 4 (AOS4). Identifiers: Orphanet 974, MedGen C3809092, MONDO:0014124, OMIM 615297.

Allele frequency attached by ClinVar (database versions not stated): gnomAD exomes 0.00001; ExAC 0.00002; gnomAD 0.00002; TOPMed 0.00002.
gnomAD v4.1: 12 of 1,613,982 alleles (0.00074%); highest among the groups gnomAD compares: Admixed American, 0.0083%; no homozygotes.

Submission:

Labcorp Genetics (formerly Invitae), Labcorp
Classification: Uncertain significance for Adams-Oliver syndrome 4. Last evaluated: 2025-01-27. Review status: criteria provided, single submitter. Criteria: Invitae Variant Classification Sherloc (09022015). Collection method: clinical testing. Allele origin: germline.
Comment: This sequence change replaces serine, which is neutral and polar, with phenylalanine, which is neutral and non-polar, at codon 196 of the EOGT protein (p.Ser196Phe). This variant is present in population databases (rs778686242, gnomAD 0.01%). This variant has not been reported in the literature in individuals affected with EOGT-related conditions. ClinVar contains an entry for this variant (Variation ID: 1480596). Invitae Evidence Modeling of protein sequence and biophysical properties (such as structural, functional, and spatial information, amino acid conservation, physicochemical variation, residue mobility, and thermodynamic stability) indicates that this missense variant is not expected to disrupt EOGT protein function with a negative predictive value of 80%. In summary, the available evidence is currently insufficient to determine the role of this variant in disease. Therefore, it has been classified as a Variant of Uncertain Significance.